The following is an entry in ClinVar:

NM_001040142.2(SCN2A):c.4901G>T (p.Gly1634Val)

Gene: SCN2A (sodium voltage-gated channel alpha subunit 2; plus strand). Cytogenetic location: 2q24.3.
Variant type: single nucleotide variant.
Coding change: c.4901G>T on transcript NM_001040142.2 (MANE Select); coding-DNA position 4901, G replaced by T.
Protein change: p.Gly1634Val; replaces glycine 1634 with valine.
Molecular consequence: missense variant.
Genome position (GRCh38, 1-based): chr2:165,388,707, G>T. VCF-style: chr2-165388707-G-T. GRCh37 (hg19) VCF-style: chr2-166245217-G-T.
Other names: c.4901G>T, p.Gly1634Val (NM_001040143.2, NM_001371246.1, NM_001371247.1 and 1 more transcripts); short protein forms G1634V.
Identifiers: ClinVar variation 1000049 (VCV001000049.12), dbSNP rs1553463427, ClinGen allele CA349037754.

ClinVar aggregate classification (germline): Pathogenic. Review status: criteria provided, single submitter (1 of 4 stars). 2 submissions from 2 submitters: Pathogenic (1). 1 of the submissions does not count toward it. Last evaluated 2022-06-27.

Conditions:
Epilepsy of infancy with migrating focal seizures. Identifiers: MedGen C4518639, MONDO:0100025.
Seizures, benign familial infantile, 3 (BFIS3). Also called: Familial neonatal seizures; CONVULSIONS, BENIGN FAMILIAL INFANTILE, 3. Identifiers: Orphanet 140927, Orphanet 306, MedGen C1843140, MONDO:0011904, OMIM 607745.
Developmental and epileptic encephalopathy, 11 (DEE11). Also called: Early infantile epileptic encephalopathy 11. Identifiers: Orphanet 1934, MedGen C3150987, MONDO:0013388, OMIM 613721.

Submissions (2):

Labcorp Genetics (formerly Invitae), Labcorp
Classification: Pathogenic for Seizures, benign familial infantile, 3; Developmental and epileptic encephalopathy, 11. Last evaluated: 2022-06-27. Review status: criteria provided, single submitter. Criteria: Invitae Variant Classification Sherloc (09022015). Collection method: clinical testing. Allele origin: germline.
Comment: Algorithms developed to predict the effect of missense changes on protein structure and function are either unavailable or do not agree on the potential impact of this missense change (SIFT: "Deleterious"; PolyPhen-2: "Probably Damaging"; Align-GVGD: "Class C0"). For these reasons, this variant has been classified as Pathogenic. This variant disrupts the p.Gly1634 amino acid residue in SCN2A. Other variant(s) that disrupt this residue have been observed in individuals with SCN2A-related conditions (PMID: 27328862), which suggests that this may be a clinically significant amino acid residue. ClinVar contains an entry for this variant (Variation ID: 1000049). This missense change has been observed in individual(s) with SCN2A-related conditions (Invitae). In at least one individual the variant was observed to be de novo. This variant is not present in population databases (gnomAD no frequency). This sequence change replaces glycine, which is neutral and non-polar, with valine, which is neutral and non-polar, at codon 1634 of the SCN2A protein (p.Gly1634Val).

Neurology Department, Shenzhen Children's Hospital
Classification: Pathogenic for Epilepsy of infancy with migrating focal seizures. Last evaluated: 2022-02-16. Review status: no assertion criteria provided. Collection method: clinical testing. Allele origin: de novo. Affected: yes. Not counted in ClinVar's aggregate classification.

Literature cited by the submitters: PubMed 27328862 (cited by Labcorp Genetics (formerly Invitae), Labcorp).